The following is an entry in ClinVar:

ClinVar aggregate classification (germline): Uncertain significance (1 of 4 stars; one submission).

Conditions:
Familial intrahepatic cholestasis. Identifiers: Orphanet 284385, MedGen CN296401, MONDO:0017290.

Submission:

Genomenon, Inc
Classification: Uncertain significance for Familial intrahepatic cholestasis. Last evaluated: 2026-04-14. Review status: criteria provided, single submitter. Criteria: Genomenon Sequence Variant Interpretation Standards - Updated. Collection method: curation. Allele origin: germline. Affected: no.
Comment: ABCB11 p.Glu1244Gln (c.3730G>C) is a missense variant that changes the amino acid at residue 1244 from Glutamic acid to Glutamine. To our knowledge, this variant has not been reported in patients affected with an ABCB11-related disorder in the published literature. At least one functional study has demonstrated a substantial alteration in protein function relative to the wild-type (PMID:28784620). It is absent or not present at a significant frequency in gnomAD. In silico models predict that this variant is possibly or probably damaging. In conclusion, we classify ABCB11 p.Glu1244Gln (c.3730G>C) as a variant of uncertain significance.

Literature cited by the submitters: PubMed 28784620.

NM_003742.4(ABCB11):c.3730G>C (p.Glu1244Gln)

Gene: ABCB11 (ATP binding cassette subfamily B member 11; minus strand). Cytogenetic location: 2q31.1.
Variant type: single nucleotide variant.
Coding change: c.3730G>C on transcript NM_003742.4 (MANE Select); coding-DNA position 3730, G replaced by C.
Protein change: p.Glu1244Gln; replaces glutamic acid 1244 with glutamine.
Molecular consequence: missense variant.
Genome position (GRCh38, 1-based): chr2:168,924,692, C>G on the plus strand (G>C on the coding strand, the complement: ABCB11 is on the minus strand). VCF-style: chr2-168924692-C-G. GRCh37 (hg19) VCF-style: chr2-169781202-C-G.
Other names: short protein forms E1244Q.
Identifiers: ClinVar variation 4845980 (VCV004845980.1).